The following is an entry in ClinVar:

ClinVar aggregate classification (germline): Likely benign (0 of 4 stars; one submission).

Conditions:
SLC16A1-related disorder. Also called: SLC16A1-related disorders; SLC16A1-related condition.

Allele frequency attached by ClinVar (database versions not stated): gnomAD exomes 0.00066; 1000 Genomes Project 0.00080; gnomAD 0.00083.
gnomAD v4.1: 752 of 1,066,804 alleles (0.07%); highest among the groups gnomAD compares: Middle Eastern, 0.46%; 32 homozygotes.

Submission:

PreventionGenetics, part of Exact Sciences
Classification: Likely benign for SLC16A1-related condition. Last evaluated: 2021-06-02. Review status: no assertion criteria provided. Collection method: clinical testing. Allele origin: germline.
Comment: This variant is classified as likely benign based on ACMG/AMP sequence variant interpretation guidelines (Richards et al. 2015 PMID: 25741868, with internal and published modifications).

NM_003051.4(SLC16A1):c.362-29A>C

Gene: SLC16A1 (solute carrier family 16 member 1; minus strand). Cytogenetic location: 1p13.2.
Variant type: single nucleotide variant.
Coding change: c.362-29A>C on transcript NM_003051.4 (MANE Select); 29 bases into the intron before coding-DNA position 362, A replaced by C.
Molecular consequence: intron variant.
Genome position (GRCh38, 1-based): chr1:112,918,073, T>G on the plus strand (A>C on the coding strand, the complement: SLC16A1 is on the minus strand). VCF-style: chr1-112918073-T-G. GRCh37 (hg19) VCF-style: chr1-113460695-T-G.
Other names: c.362-29A>C (NM_001166496.2).
Identifiers: ClinVar variation 3045040 (VCV003045040.2), dbSNP rs542005502, ClinGen allele CA1011445.
Genomic context (GRCh38, chr1:112,918,073, plus strand): 5'-AGCTGGATTCAAGTTGAAGGCAAGCCCAAGACCTGTGAAGACAATAAATAAATAAATAAA[T>G]AAATAAATAAATAAATAAATAAATAAATAATAAGAGGTATAAATAATGGAAGGAATAGGA-3'